The following is an entry in ClinVar:

NM_000135.4(FANCA):c.3789C>G (p.Phe1263Leu)

Genes: FANCA (FA complementation group A; minus strand), ZNF276 (zinc finger protein 276; plus strand). Cytogenetic location: 16q24.3.
Variant type: single nucleotide variant.
Coding change: c.3789C>G on transcript NM_000135.4 (MANE Select); coding-DNA position 3789, C replaced by G.
Protein change: p.Phe1263Leu; replaces phenylalanine 1263 with leucine.
Molecular consequence: missense variant. On other transcripts: 3 prime UTR variant (2), non-coding transcript variant (4).
Genome position (GRCh38, 1-based): chr16:89,740,843, G>C on the plus strand (C>G on the coding strand, the complement: FANCA is on the minus strand). VCF-style: chr16-89740843-G-C. GRCh37 (hg19) VCF-style: chr16-89807251-G-C.
Other names: c.3789C>G, p.Phe1263Leu (NM_001286167.3); c.*2597G>C (NM_001113525.2, NM_152287.4); short protein forms F1263L.
Identifiers: ClinVar variation 3848056 (VCV003848056.1).

ClinVar aggregate classification (germline): Uncertain significance (1 of 4 stars; one submission).

Conditions:
Inborn genetic diseases. Identifiers: MedGen C0950123, MeSH D030342.

Submission:

Ambry Genetics
Classification: Uncertain significance for Inborn genetic diseases. Last evaluated: 2024-12-25. Review status: criteria provided, single submitter. Criteria: Ambry Variant Classification Scheme 2023. Collection method: clinical testing. Allele origin: germline.
Comment: The p.F1263L variant (also known as c.3789C>G), located in coding exon 38 of the FANCA gene, results from a C to G substitution at nucleotide position 3789. The phenylalanine at codon 1263 is replaced by leucine, an amino acid with highly similar properties. This amino acid position is conserved. In addition, the in silico prediction for this alteration is inconclusive. Based on the available evidence, the clinical significance of this variant remains unclear.